The following is an entry in ClinVar:

ClinVar aggregate classification (germline): Likely benign (1 of 4 stars; one submission).

gnomAD v4.1: 7 of 1,614,214 alleles (0.00043%); highest among the groups gnomAD compares: Middle Eastern, 0.049%; no homozygotes.

Submission:

CeGaT Center for Human Genetics Tuebingen
Classification: Likely benign. Last evaluated: 2022-08-01. Review status: criteria provided, single submitter. Criteria: CeGaT Center For Human Genetics Tuebingen Variant Classification Criteria Version 2. Collection method: clinical testing. Allele origin: germline. Affected: yes. Observed: 1 variant allele.
Comment: CYLD: BP4, BP7

NM_001378743.1(CYLD):c.2646T>C (p.Asp882=)

Genes: CYLD (CYLD lysine 63 deubiquitinase; plus strand), CYLD-AS2 (CYLD antisense RNA 2; minus strand). Cytogenetic location: 16q12.1.
Variant type: single nucleotide variant.
Coding change: c.2646T>C on transcript NM_001378743.1 (MANE Select); coding-DNA position 2646, T replaced by C.
Protein change: p.Asp882=; no amino-acid change (aspartic acid 882 retained).
Molecular consequence: synonymous variant. On other transcripts: non-coding transcript variant (1).
Genome position (GRCh38, 1-based): chr16:50,794,388, T>C. VCF-style: chr16-50794388-T-C. GRCh37 (hg19) VCF-style: chr16-50828299-T-C.
Other names: c.2637T>C, p.Asp879= (NM_001378745.1, NM_001378746.1, NM_001378747.1 and 6 more transcripts); c.2607T>C, p.Asp869= (NM_001378751.1, NM_001378752.1, NM_001378753.1); c.1971T>C, p.Asp657= (NM_001378754.1, NM_001378755.1); c.2646T>C, p.Asp882= (NM_015247.3).
Identifiers: ClinVar variation 2646520 (VCV002646520.24), dbSNP rs1400529240, ClinGen allele CA495757424.